The following is an entry in ClinVar:

NM_004168.4(SDHA):c.871G>A (p.Glu291Lys)

Gene: SDHA (succinate dehydrogenase complex flavoprotein subunit A; plus strand). Cytogenetic location: 5p15.33.
Variant type: single nucleotide variant.
Coding change: c.871G>A on transcript NM_004168.4 (MANE Select); coding-DNA position 871, G replaced by A.
Protein change: p.Glu291Lys; replaces glutamic acid 291 with lysine.
Molecular consequence: missense variant.
Genome position (GRCh38, 1-based): chr5:230,976, G>A. VCF-style: chr5-230976-G-A. GRCh37 (hg19) VCF-style: chr5-231091-G-A.
Other names: c.727G>A, p.Glu243Lys (NM_001294332.2); c.871G>A, p.Glu291Lys (NM_001330758.2); short protein forms E291K, E243K.
Identifiers: ClinVar variation 654871 (VCV000654871.15), dbSNP rs1579397516, ClinGen allele CA359011963.

ClinVar aggregate classification (germline): Uncertain significance. Review status: criteria provided, multiple submitters, no conflicts (2 of 4 stars). 3 submissions from 3 submitters: Uncertain significance (3). Last evaluated 2025-09-02.

Conditions:
Pheochromocytoma/paraganglioma syndrome 5. Also called: Paragangliomas 5; SDHA-Related Hereditary Paraganglioma-Pheochromocytoma Syndrome. Identifiers: Orphanet 29072, MedGen C3279992, MONDO:0013602, OMIM 614165.
Mitochondrial complex II deficiency, nuclear type 1. Also called: SUCCINATE CoQ REDUCTASE DEFICIENCY. Identifiers: Orphanet 3208, MedGen C5700310, MONDO:0100294, OMIM 252011.
Hereditary cancer-predisposing syndrome. Also called: Tumor predisposition; Neoplastic Syndromes, Hereditary; Hereditary Cancer Syndrome; Hereditary neoplastic syndrome. Identifiers: Orphanet 140162, MedGen C0027672, MeSH D009386, MONDO:0015356.

gnomAD v4.1: 1 of 1,613,980 alleles (0.000062%); highest among the groups gnomAD compares: Non-Finnish European, 0.000085%; no homozygotes.

Submissions (3):

Labcorp Genetics (formerly Invitae), Labcorp
Classification: Uncertain significance for Pheochromocytoma/paraganglioma syndrome 5; Mitochondrial complex II deficiency, nuclear type 1. Last evaluated: 2025-09-02. Review status: criteria provided, single submitter. Criteria: Invitae Variant Classification Sherloc (09022015). Collection method: clinical testing. Allele origin: germline.
Comment: This sequence change replaces glutamic acid, which is acidic and polar, with lysine, which is basic and polar, at codon 291 of the SDHA protein (p.Glu291Lys). This variant is not present in population databases (gnomAD no frequency). This variant has not been reported in the literature in individuals affected with SDHA-related conditions. ClinVar contains an entry for this variant (Variation ID: 654871). Invitae Evidence Modeling of protein sequence and biophysical properties (such as structural, functional, and spatial information, amino acid conservation, physicochemical variation, residue mobility, and thermodynamic stability) has been performed for this missense variant. However, the output from this modeling did not meet the statistical confidence thresholds required to predict the impact of this variant on SDHA protein function. In summary, the available evidence is currently insufficient to determine the role of this variant in disease. Therefore, it has been classified as a Variant of Uncertain Significance.

Ambry Genetics
Classification: Uncertain significance for Hereditary cancer-predisposing syndrome. Last evaluated: 2024-11-05. Review status: criteria provided, single submitter. Criteria: Ambry Variant Classification Scheme 2023. Collection method: clinical testing. Allele origin: germline.
Comment: The p.E291K variant (also known as c.871G>A), located in coding exon 7 of the SDHA gene, results from a G to A substitution at nucleotide position 871. The glutamic acid at codon 291 is replaced by lysine, an amino acid with similar properties. This amino acid position is highly conserved in available vertebrate species. In addition, this alteration is predicted to be deleterious by in silico analysis. Since supporting evidence is limited at this time, the clinical significance of this alteration remains unclear.

GeneDx
Classification: Uncertain significance. Last evaluated: 2024-09-18. Review status: criteria provided, single submitter. Criteria: GeneDx Variant Classification Process June 2021. Collection method: clinical testing. Allele origin: germline. Affected: yes.
Comment: Not observed at significant frequency in large population cohorts (gnomAD); In silico analysis supports that this missense variant has a deleterious effect on protein structure/function; Has not been previously published as pathogenic or benign to our knowledge